The following is an entry in ClinVar:

ClinVar aggregate classification (germline): Uncertain significance. Review status: criteria provided, multiple submitters, no conflicts (2 of 4 stars). 3 submissions from 3 submitters: Uncertain significance (3). Last evaluated 2025-05-22.

Conditions:
Hypertrophic cardiomyopathy. Also called: HYPERTROPHIC MYOCARDIOPATHY. Identifiers: Orphanet 217569, MedGen C0007194, MeSH D002312, MONDO:0005045, HP:0001639.

Allele frequency attached by ClinVar (database versions not stated): gnomAD exomes below 0.00001.
gnomAD v4.1: 6 of 1,523,954 alleles (0.00039%); highest among the groups gnomAD compares: Non-Finnish European, 0.00052%; no homozygotes.

Submissions (3):

Labcorp Genetics (formerly Invitae), Labcorp
Classification: Uncertain significance for Hypertrophic cardiomyopathy. Last evaluated: 2025-05-22. Review status: criteria provided, single submitter. Criteria: Invitae Variant Classification Sherloc (09022015). Collection method: clinical testing. Allele origin: germline.
Comment: This sequence change replaces alanine, which is neutral and non-polar, with threonine, which is neutral and polar, at codon 109 of the MYBPC3 protein (p.Ala109Thr). This variant is not present in population databases (gnomAD no frequency). This variant has not been reported in the literature in individuals affected with MYBPC3-related conditions. ClinVar contains an entry for this variant (Variation ID: 999801). An algorithm developed to predict the effect of missense changes on protein structure and function outputs the following: PolyPhen-2: "Benign". The threonine amino acid residue is found in multiple mammalian species, which suggests that this missense change does not adversely affect protein function. In summary, the available evidence is currently insufficient to determine the role of this variant in disease. Therefore, it has been classified as a Variant of Uncertain Significance.

All of Us Research Program, National Institutes of Health
Classification: Uncertain significance for Hypertrophic cardiomyopathy. Last evaluated: 2023-06-08. Review status: criteria provided, single submitter. Criteria: ACMG Guidelines, 2015. Collection method: clinical testing. Allele origin: germline. Inheritance: Autosomal dominant inheritance. Observed: 1 variant allele, 1 heterozygote.
Comment: This missense variant replaces alanine with threonine at codon 109 of the MYBPC3 protein. Computational prediction suggests that this variant may not impact protein structure and function (internally defined REVEL score threshold <= 0.5, PMID: 27666373). To our knowledge, functional studies have not been reported for this variant. This variant has not been reported in individuals affected with cardiovascular disorders in the literature. This variant has not been identified in the general population by the Genome Aggregation Database (gnomAD). The available evidence is insufficient to determine the role of this variant in disease conclusively. Therefore, this variant is classified as a Variant of Uncertain Significance.

This study involves interpretation of variants in research participants for the purpose of population health screening. Participant phenotype was not available at the time of variant classification. Additional details can be found in publication PMID: 35346344, PMCID: PMC8962531

GeneDx
Classification: Uncertain significance. Last evaluated: 2019-08-21. Review status: criteria provided, single submitter. Criteria: GeneDx Variant Classification Process June 2021. Collection method: clinical testing. Allele origin: germline. Affected: yes.
Comment: Has not been previously published as pathogenic or benign to our knowledge; Not observed in large population cohorts (Lek et al., 2016); In silico analysis, which includes protein predictors and evolutionary conservation, supports that this variant does not alter protein structure/function

NM_000256.3(MYBPC3):c.325G>A (p.Ala109Thr)

Gene: MYBPC3 (myosin binding protein C3; minus strand). Cytogenetic location: 11p11.2.
Variant type: single nucleotide variant.
Coding change: c.325G>A on transcript NM_000256.3 (MANE Select); coding-DNA position 325, G replaced by A.
Protein change: p.Ala109Thr; replaces alanine 109 with threonine.
Molecular consequence: missense variant.
Genome position (GRCh38, 1-based): chr11:47,350,583, C>T on the plus strand (G>A on the coding strand, the complement: MYBPC3 is on the minus strand). VCF-style: chr11-47350583-C-T. GRCh37 (hg19) VCF-style: chr11-47372134-C-T.
Other names: short protein forms A109T.
Identifiers: ClinVar variation 999801 (VCV000999801.11), dbSNP rs1307221605, ClinGen allele CA380340958.